The following is an entry in ClinVar:

ClinVar aggregate classification (germline): Uncertain significance. Review status: criteria provided, multiple submitters, no conflicts (2 of 4 stars). 3 submissions from 3 submitters: Uncertain significance (2). 1 of the submissions does not count toward it. Last evaluated 2024-07-26.

Conditions:
Familial renal glucosuria (GLYS). Also called: RENAL GLUCOSURIA, AUTOSOMAL DOMINANT; Familial renal glycosuria. Identifiers: Orphanet 69076, MedGen C3245525, MONDO:0009297, OMIM 233100.
SLC5A2-related disorder. Also called: SLC5A2-related condition.

Allele frequency attached by ClinVar (database versions not stated): ExAC 0.00002; TOPMed 0.00002; gnomAD exomes 0.00005.

Submissions (3):

GeneDx
Classification: Uncertain significance. Last evaluated: 2024-07-26. Review status: criteria provided, single submitter. Criteria: GeneDx Variant Classification Process June 2021. Collection method: clinical testing. Allele origin: germline. Affected: yes.
Comment: In silico analysis supports that this missense variant has a deleterious effect on protein structure/function; Has not been previously published as pathogenic or benign to our knowledge

Fulgent Genetics
Classification: Uncertain significance for Familial renal glucosuria. Last evaluated: 2024-04-17. Review status: criteria provided, single submitter. Criteria: ACMG Guidelines, 2015. Collection method: clinical testing. Allele origin: germline.

PreventionGenetics, part of Exact Sciences
Classification: Uncertain significance for SLC5A2-related condition. Last evaluated: 2024-02-10. Review status: no assertion criteria provided. Collection method: clinical testing. Allele origin: germline. Not counted in ClinVar's aggregate classification.
Comment: The SLC5A2 c.178C>T variant is predicted to result in the amino acid substitution p.Arg60Cys. To our knowledge, this variant has not been reported in the literature. This variant is reported in 0.0050% of alleles in individuals of East Asian descent in gnomAD. At this time, the clinical significance of this variant is uncertain due to the absence of conclusive functional and genetic evidence.

NM_003041.4(SLC5A2):c.178C>T (p.Arg60Cys)

Gene: SLC5A2 (solute carrier family 5 member 2; plus strand). Cytogenetic location: 16p11.2.
Variant type: single nucleotide variant.
Coding change: c.178C>T on transcript NM_003041.4 (MANE Select); coding-DNA position 178, C replaced by T.
Protein change: p.Arg60Cys; replaces arginine 60 with cysteine.
Molecular consequence: missense variant. On other transcripts: non-coding transcript variant (1).
Genome position (GRCh38, 1-based): chr16:31,484,724, C>T. VCF-style: chr16-31484724-C-T. GRCh37 (hg19) VCF-style: chr16-31496045-C-T.
Other names: short protein forms R60C.
Identifiers: ClinVar variation 3036114 (VCV003036114.4), dbSNP rs201586410, ClinGen allele CA8030623.